The following is an entry in ClinVar:

NM_000018.4(ACADVL):c.1329G>A (p.Met443Ile)

Gene: ACADVL (acyl-CoA dehydrogenase very long chain; plus strand). Cytogenetic location: 17p13.1.
Variant type: single nucleotide variant.
Coding change: c.1329G>A on transcript NM_000018.4 (MANE Select); coding-DNA position 1329, G replaced by A.
Protein change: p.Met443Ile; replaces methionine 443 with isoleucine.
Molecular consequence: missense variant.
Genome position (GRCh38, 1-based): chr17:7,223,872, G>A. VCF-style: chr17-7223872-G-A. GRCh37 (hg19) VCF-style: chr17-7127191-G-A.
Other names: c.1263G>A, p.Met421Ile (NM_001033859.3); c.1398G>A, p.Met466Ile (NM_001270447.2); c.1101G>A, p.Met367Ile (NM_001270448.2); short protein forms M367I, M421I, M443I, M466I.
Identifiers: ClinVar variation 932765 (VCV000932765.2), dbSNP rs2071347136, ClinGen allele CA397724880.

ClinVar aggregate classification (germline): Uncertain significance (1 of 4 stars; one submission).

Conditions:
Very long chain acyl-CoA dehydrogenase deficiency (ACADVLD). Also called: Very Long-Chain Acyl-Coenzyme A Dehydrogenase Deficiency; VLCAD Deficiency. Identifiers: Orphanet 26793, MedGen C3887523, MONDO:0008723, OMIM 201475.

Submission:

Wong Mito Lab, Molecular and Human Genetics, Baylor College of Medicine
Classification: Uncertain significance for Very long chain acyl-CoA dehydrogenase deficiency. Last evaluated: 2019-11-01. Review status: criteria provided, single submitter. Criteria: ACMG Guidelines, 2015. Collection method: clinical testing. Allele origin: germline.
Comment: The NM_000018.3:c.1329G>A (NP_000009.1:p.Met443Ile) [GRCH38: NC_000017.11:g.7223872G>A] variant in ACADVL gene is interpretated to be Uncertain Significance based on ACMG guidelines (PMID: 25741868). This variant has been reported. This variant meets the following evidence codes reported in the ACMG guidelines: PP3